The following is an entry in ClinVar:

ClinVar aggregate classification (germline): Uncertain significance (1 of 4 stars; one submission).

Allele frequency attached by ClinVar (database versions not stated): gnomAD exomes 0.00001; gnomAD 0.00002; 1000 Genomes Project 30x 0.00021; 1000 Genomes Project 0.00026.
gnomAD v4.1: 15 of 1,206,772 alleles (0.0012%); highest among the groups gnomAD compares: South Asian, 0.023%; no homozygotes.

Submission:

Labcorp Genetics (formerly Invitae), Labcorp
Classification: Uncertain significance. Last evaluated: 2023-06-21. Review status: criteria provided, single submitter. Criteria: Invitae Variant Classification Sherloc (09022015). Collection method: clinical testing. Allele origin: germline.
Comment: This variant has not been reported in the literature in individuals affected with ATP2B3-related conditions. Advanced modeling of protein sequence and biophysical properties (such as structural, functional, and spatial information, amino acid conservation, physicochemical variation, residue mobility, and thermodynamic stability) performed at Invitae indicates that this missense variant is not expected to disrupt ATP2B3 protein function. In summary, the available evidence is currently insufficient to determine the role of this variant in disease. Therefore, it has been classified as a Variant of Uncertain Significance. This sequence change replaces methionine, which is neutral and non-polar, with leucine, which is neutral and non-polar, at codon 329 of the ATP2B3 protein (p.Met329Leu). This variant is present in population databases (rs782061934, gnomAD no frequency).

NM_001001344.3(ATP2B3):c.985A>C (p.Met329Leu)

Gene: ATP2B3 (ATPase plasma membrane Ca2+ transporting 3; plus strand). Cytogenetic location: Xq28.
Variant type: single nucleotide variant.
Coding change: c.985A>C on transcript NM_001001344.3 (MANE Select); coding-DNA position 985, A replaced by C.
Protein change: p.Met329Leu; replaces methionine 329 with leucine.
Molecular consequence: missense variant.
Genome position (GRCh38, 1-based): chrX:153,547,861, A>C. VCF-style: chrX-153547861-A-C. GRCh37 (hg19) VCF-style: chrX-152813319-A-C.
Other names: c.985A>C, p.Met329Leu (NM_001388360.1, NM_001388361.1, NM_001388362.1 and 1 more transcripts); c.943A>C, p.Met315Leu (NM_001410708.1); short protein forms M329L, M315L.
Identifiers: ClinVar variation 2905582 (VCV002905582.3), dbSNP rs782061934, ClinGen allele CA337239011.